The following is an entry in ClinVar:

ClinVar aggregate classification (germline): Likely benign (1 of 4 stars; one submission).

Submission:

CeGaT Center for Human Genetics Tuebingen
Classification: Likely benign. Last evaluated: 2026-05-01. Review status: criteria provided, single submitter. Criteria: CeGaT Center For Human Genetics Tuebingen Variant Classification Criteria Version 2. Collection method: clinical testing. Allele origin: germline. Affected: yes. Observed: 2 variant alleles.
Comment: DMBT1: PM2:Supporting, BP4, BP7

NM_001377530.1(DMBT1):c.1518A>G (p.Arg506=)

Gene: DMBT1 (deleted in malignant brain tumors 1; plus strand). Cytogenetic location: 10q26.13.
Variant type: single nucleotide variant.
Coding change: c.1518A>G on transcript NM_001377530.1 (MANE Select); coding-DNA position 1518, A replaced by G.
Protein change: p.Arg506=; no amino-acid change (arginine 506 retained).
Molecular consequence: synonymous variant. On other transcripts: intron variant (1).
Genome position (GRCh38, 1-based): chr10:122,586,118, A>G. VCF-style: chr10-122586118-A-G. GRCh37 (hg19) VCF-style: chr10-124345634-A-G.
Other names: c.1518A>G, p.Arg506= (NM_001320644.2, NM_007329.3); c.1488A>G, p.Arg496= (NM_017579.3); c.1420+1767A>G (NM_004406.3).
Identifiers: ClinVar variation 2640910 (VCV002640910.24), dbSNP rs2497842193, ClinGen allele CA471745753.